The following is an entry in ClinVar:

ClinVar aggregate classification (germline): Uncertain significance (1 of 4 stars; one submission).

Conditions:
Neurofibromatosis, type 1 (NF1). Also called: Peripheral type neurofibromatosis; VON RECKLINGHAUSEN DISEASE; Neurofibromatosis, type I; NEUROFIBROMATOSIS, TYPE I, SOMATIC. Identifiers: Orphanet 636, MedGen C0027831, MONDO:0018975, OMIM 162200. Disease mechanism: loss of function.

Submission:

Labcorp Genetics (formerly Invitae), Labcorp
Classification: Uncertain significance for Neurofibromatosis, type 1. Last evaluated: 2021-12-24. Review status: criteria provided, single submitter. Criteria: Invitae Variant Classification Sherloc (09022015). Collection method: clinical testing. Allele origin: germline.
Comment: This sequence change replaces threonine, which is neutral and polar, with alanine, which is neutral and non-polar, at codon 1520 of the NF1 protein (p.Thr1520Ala). This variant is not present in population databases (gnomAD no frequency). This variant has not been reported in the literature in individuals affected with NF1-related conditions. ClinVar contains an entry for this variant (Variation ID: 937233). Advanced modeling of protein sequence and biophysical properties (such as structural, functional, and spatial information, amino acid conservation, physicochemical variation, residue mobility, and thermodynamic stability) performed at Invitae indicates that this missense variant is expected to disrupt NF1 protein function. In summary, the available evidence is currently insufficient to determine the role of this variant in disease. Therefore, it has been classified as a Variant of Uncertain Significance.

NM_001042492.3(NF1):c.4621A>G (p.Thr1541Ala)

Gene: NF1 (neurofibromin 1; plus strand). Cytogenetic location: 17q11.2.
Variant type: single nucleotide variant.
Coding change: c.4621A>G on transcript NM_001042492.3 (MANE Select); coding-DNA position 4621, A replaced by G.
Protein change: p.Thr1541Ala; replaces threonine 1541 with alanine.
Molecular consequence: missense variant.
Genome position (GRCh38, 1-based): chr17:31,261,754, A>G. VCF-style: chr17-31261754-A-G. GRCh37 (hg19) VCF-style: chr17-29588772-A-G.
Other names: c.4558A>G, p.Thr1520Ala (NM_000267.4); short protein forms T1520A, T1541A.
Identifiers: ClinVar variation 937233 (VCV000937233.4), dbSNP rs2067690191, ClinGen allele CA399000249.